The following is an entry in ClinVar:

ClinVar aggregate classification (germline): Likely pathogenic (1 of 4 stars; one submission).

Conditions:
Wiedemann-Steiner syndrome (WDSTS). Also called: Growth deficiency and mental retardation with facial dysmorphism. Identifiers: Orphanet 319182, MedGen C1854630, MONDO:0011518, OMIM 605130.

Submission:

3billion
Classification: Likely pathogenic for Wiedemann-Steiner syndrome. Last evaluated: 2022-03-22. Review status: criteria provided, single submitter. Criteria: ACMG Guidelines, 2015. Collection method: clinical testing. Allele origin: germline. Affected: yes. Observed: 1 heterozygote.
Comment: Frameshift: predicted to result in a loss or disruption of normal protein function through nonsense-mediated decay (NMD) or protein truncation. Multiple pathogenic variants are reported downstream of the variant.It is not observed in the gnomAD v2.1.1 dataset. Therefore, this variant is classified as likely pathogenic according to the recommendation of ACMG/AMP guideline.

NM_001197104.2(KMT2A):c.9035del (p.Cys3012fs)

Gene: KMT2A (lysine methyltransferase 2A; plus strand). Cytogenetic location: 11q23.3.
Variant type: Deletion.
Coding change: c.9035del on transcript NM_001197104.2 (MANE Select); coding-DNA position 9035, one base deleted (G; older notation c.9035delG).
Protein change: p.Cys3012fs; shifts the reading frame from cysteine 3012.
Molecular consequence: frameshift variant.
Genome position (GRCh38, 1-based): chr11:118,504,927, G deleted. VCF-style (leftmost placement, unchanged base first): chr11-118504926-TG-T. GRCh37 (hg19) VCF-style: chr11-118375641-TG-T.
Other names: c.9026del, p.Cys3009fs (NM_005933.4); short protein forms C3009fs, C3012fs.
Identifiers: ClinVar variation 1526149 (VCV001526149.1), dbSNP rs2134402509, ClinGen allele CA2573146944.
Genomic context (GRCh38, chr11:118,504,926, plus strand): 5'-ATGACTCCTGATCATTTTATCCAAGGACACATGGATGCAGACCACATCTCTAGCCCTCCT[TG>T]TGGTTCAGTAGAGCAAGGTCATGGCAACAATCAGGATTTAACTAGGAACAGTAGCACCCC-3'